The following is an entry in ClinVar:

ClinVar aggregate classification (germline): Uncertain significance (1 of 4 stars; one submission).

Submission:

Labcorp Genetics (formerly Invitae), Labcorp
Classification: Uncertain significance. Last evaluated: 2022-10-20. Review status: criteria provided, single submitter. Criteria: Invitae Variant Classification Sherloc (09022015). Collection method: clinical testing. Allele origin: germline.
Comment: In summary, the available evidence is currently insufficient to determine the role of this variant in disease. Therefore, it has been classified as a Variant of Uncertain Significance. Advanced modeling of protein sequence and biophysical properties (such as structural, functional, and spatial information, amino acid conservation, physicochemical variation, residue mobility, and thermodynamic stability) performed at Invitae indicates that this missense variant is expected to disrupt SLC12A6 protein function. This variant has not been reported in the literature in individuals affected with SLC12A6-related conditions. This variant is not present in population databases (gnomAD no frequency). This sequence change replaces glutamic acid, which is acidic and polar, with glycine, which is neutral and non-polar, at codon 289 of the SLC12A6 protein (p.Glu289Gly).

NM_001365088.1(SLC12A6):c.866A>G (p.Glu289Gly)

Gene: SLC12A6 (solute carrier family 12 member 6; minus strand). Cytogenetic location: 15q14.
Variant type: single nucleotide variant.
Coding change: c.866A>G on transcript NM_001365088.1 (MANE Select); coding-DNA position 866, A replaced by G.
Protein change: p.Glu289Gly; replaces glutamic acid 289 with glycine.
Molecular consequence: missense variant.
Genome position (GRCh38, 1-based): chr15:34,255,272, T>C on the plus strand (A>G on the coding strand, the complement: SLC12A6 is on the minus strand). VCF-style: chr15-34255272-T-C. GRCh37 (hg19) VCF-style: chr15-34547473-T-C.
Other names: c.689A>G, p.Glu230Gly (NM_001042494.2, NM_001042495.2); c.839A>G, p.Glu280Gly (NM_001042496.2); c.821A>G, p.Glu274Gly (NM_001042497.2); c.713A>G, p.Glu238Gly (NM_005135.2); c.866A>G, p.Glu289Gly (NM_133647.2); short protein forms E230G, E238G, E274G, E280G, E289G.
Identifiers: ClinVar variation 1721959 (VCV001721959.5), dbSNP rs2509820970, ClinGen allele CA391610097.